The following is an entry in ClinVar:

ClinVar aggregate classification (germline): Uncertain significance (1 of 4 stars; one submission).

Conditions:
Primary ciliary dyskinesia. Also called: Ciliary dyskinesia. Identifiers: Orphanet 244, MedGen C0008780, MONDO:0016575, HP:0012265.

Allele frequency attached by ClinVar (database versions not stated): TOPMed below 0.00001.
gnomAD v4.1: 3 of 1,613,264 alleles (0.00019%); no homozygotes.

Submission:

Labcorp Genetics (formerly Invitae), Labcorp
Classification: Uncertain significance for Primary ciliary dyskinesia. Last evaluated: 2021-08-20. Review status: criteria provided, single submitter. Criteria: Invitae Variant Classification Sherloc (09022015). Collection method: clinical testing. Allele origin: germline.
Comment: This sequence change replaces valine with isoleucine at codon 428 of the DNAH5 protein (p.Val428Ile). The valine residue is moderately conserved and there is a small physicochemical difference between valine and isoleucine. This variant is not present in population databases (ExAC no frequency). This variant has not been reported in the literature in individuals affected with DNAH5-related conditions. Algorithms developed to predict the effect of missense changes on protein structure and function (SIFT, PolyPhen-2, Align-GVGD) all suggest that this variant is likely to be tolerated. In summary, the available evidence is currently insufficient to determine the role of this variant in disease. Therefore, it has been classified as a Variant of Uncertain Significance.

NM_001369.3(DNAH5):c.1282G>A (p.Val428Ile)

Gene: DNAH5 (dynein axonemal heavy chain 5; minus strand). Cytogenetic location: 5p15.2.
Variant type: single nucleotide variant.
Coding change: c.1282G>A on transcript NM_001369.3 (MANE Select); coding-DNA position 1282, G replaced by A.
Protein change: p.Val428Ile; replaces valine 428 with isoleucine.
Molecular consequence: missense variant.
Genome position (GRCh38, 1-based): chr5:13,914,558, C>T on the plus strand (G>A on the coding strand, the complement: DNAH5 is on the minus strand). VCF-style: chr5-13914558-C-T. GRCh37 (hg19) VCF-style: chr5-13914667-C-T.
Other names: short protein forms V428I.
Identifiers: ClinVar variation 2156180 (VCV002156180.1), dbSNP rs1195332098, ClinGen allele CA359214986.
Genomic context (GRCh38, chr5:13,914,558, plus strand): 5'-TAAATACTAAACTGACCATTACCTGTTTCAGTTTAATCGCAGATAGTATTTTTTCTTCAA[C>T]AACATCCTGTGGCTGGTTCCAGATGGAAGCGGTTCCATTATTGGTAATATAGGCTTTACA-3'
Protein context (NP_001360.1, residues 418-438): ASIWNQPQDV[Val428Ile]EEKILSAIKL